The following is an entry in ClinVar:

NM_001376.5(DYNC1H1):c.859C>T (p.Arg287Cys)

Gene: DYNC1H1 (dynein cytoplasmic 1 heavy chain 1; plus strand). Cytogenetic location: 14q32.31.
Variant type: single nucleotide variant.
Coding change: c.859C>T on transcript NM_001376.5 (MANE Select); coding-DNA position 859, C replaced by T.
Protein change: p.Arg287Cys; replaces arginine 287 with cysteine.
Molecular consequence: missense variant.
Genome position (GRCh38, 1-based): chr14:101,980,448, C>T. VCF-style: chr14-101980448-C-T. GRCh37 (hg19) VCF-style: chr14-102446785-C-T.
Other names: short protein forms R287C.
Identifiers: ClinVar variation 4848830 (VCV004848830.1).

ClinVar aggregate classification (germline): Uncertain significance (1 of 4 stars; one submission).

gnomAD v4.1: 4 of 1,614,176 alleles (0.00025%); highest among the groups gnomAD compares: Non-Finnish European, 0.00034%; no homozygotes.

Submission:

Women's Health and Genetics/Laboratory Corporation of America, LabCorp
Classification: Uncertain significance. Last evaluated: 2026-04-07. Review status: criteria provided, single submitter. Criteria: LabCorp Variant Classification Summary - May 2015. Collection method: clinical testing. Allele origin: germline.
Comment: Variant summary: DYNC1H1 c.859C>T (p.Arg287Cys) results in a non-conservative amino acid change in the encoded protein sequence. Algorithms developed to predict the effect of missense changes on protein structure and function are either unavailable or do not agree on the potential impact of this missense change. The variant allele was found at a frequency of 4e-06 in 251468 control chromosomes. The available data on variant occurrences in the general population are insufficient to allow any conclusion about variant significance. To our knowledge, no occurrence of c.859C>T in individuals affected with DYNC1H1-related conditions and no experimental evidence demonstrating its impact on protein function have been reported. No submitters have cited clinical-significance assessments for this variant to ClinVar. Based on the evidence outlined above, the variant was classified as uncertain significance.